The following is an entry in ClinVar:

ClinVar aggregate classification (germline): Pathogenic (1 of 4 stars; one submission).

Conditions:
Jeune thoracic dystrophy. Also called: Jeune syndrome; Infantile thoracic dystrophy; Thoracic pelvic phalangeal dystrophy; Jeune's syndrome; Chondroectodermal dysplasia-like syndrome; Short-rib thoracic dysplasia. Identifiers: Orphanet 474, MedGen C0265275, MONDO:0018770.

Submission:

Labcorp Genetics (formerly Invitae), Labcorp
Classification: Pathogenic for Jeune thoracic dystrophy. Last evaluated: 2023-05-11. Review status: criteria provided, single submitter. Criteria: Invitae Variant Classification Sherloc (09022015). Collection method: clinical testing. Allele origin: germline.
Comment: For these reasons, this variant has been classified as Pathogenic. This variant has not been reported in the literature in individuals affected with DYNC2H1-related conditions. This variant is not present in population databases (gnomAD no frequency). This sequence change creates a premature translational stop signal (p.Cys1465*) in the DYNC2H1 gene. It is expected to result in an absent or disrupted protein product. Loss-of-function variants in DYNC2H1 are known to be pathogenic (PMID: 23339108, 32753734).

Literature cited by the submitters: PubMed 23339108; PubMed 32753734.

NM_001377.3(DYNC2H1):c.4395_4399del (p.Cys1465_Asp1467delinsTer)

Gene: DYNC2H1 (dynein cytoplasmic 2 heavy chain 1; plus strand). Cytogenetic location: 11q22.3.
Variant type: Deletion.
Coding change: c.4395_4399del on transcript NM_001377.3 (MANE Select); coding-DNA positions 4395 to 4399, 5 bases deleted (CTTTG; older notation c.4395_4399delCTTTG).
Protein change: p.Cys1465_Asp1467delinsTer.
Molecular consequence: nonsense.
Genome position (GRCh38, 1-based): chr11:103,160,948-103,160,952, CTTTG deleted; deleting any 5 consecutive bases within chr11:103,160,944-103,160,952 gives the same sequence; the c. name uses the placement nearest the transcript's 3' end. VCF-style (leftmost placement, unchanged base first): chr11-103160943-GTTTGC-G. GRCh37 (hg19) VCF-style: chr11-103031672-GTTTGC-G.
Other names: c.4395_4399del, p.Cys1465_Asp1467delinsTer (NM_001080463.2).
Identifiers: ClinVar variation 2863270 (VCV002863270.3), dbSNP rs2497086708, ClinGen allele CA2739270845.
Genomic context (GRCh38, chr11:103,160,943, plus strand): 5'-ATTATGTCTTTAATCCTTTTGCAATTCAATCATTGCTTTTATATTTCAGGTATTAACAGT[GTTTGC>G]TTTGATGAGAAATCAAAACATATAACTGCAATGAAATCTTTAGAGGGAGAAGTTGTACCT-3'